The following is an entry in ClinVar:

NM_000059.4(BRCA2):c.1779T>C (p.Ala593=)

Gene: BRCA2 (BRCA2 DNA repair associated; plus strand). Cytogenetic location: 13q13.1.
Variant type: single nucleotide variant.
Coding change: c.1779T>C on transcript NM_000059.4 (MANE Select); coding-DNA position 1779, T replaced by C.
Protein change: p.Ala593=; no amino-acid change (alanine 593 retained).
Molecular consequence: synonymous variant.
Genome position (GRCh38, 1-based): chr13:32,333,257, T>C. VCF-style: chr13-32333257-T-C. GRCh37 (hg19) VCF-style: chr13-32907394-T-C.
Identifiers: ClinVar variation 765966 (VCV000765966.11), dbSNP rs1593893823, ClinGen allele CA483436851.

ClinVar aggregate classification (germline): Likely benign. Review status: criteria provided, multiple submitters, no conflicts (2 of 4 stars). 3 submissions from 3 submitters: Likely benign (3). Last evaluated 2024-11-17.

Conditions:
Hereditary cancer-predisposing syndrome. Also called: Tumor predisposition; Hereditary Cancer Syndrome; Neoplastic Syndromes, Hereditary; Hereditary neoplastic syndrome. Identifiers: Orphanet 140162, MedGen C0027672, MeSH D009386, MONDO:0015356.
Hereditary breast ovarian cancer syndrome. Also called: Hereditary breast and ovarian cancer syndrome (HBOC); Hereditary breast and/or ovarian cancer syndrome; Hereditary breast and ovarian cancer syndrome; BRCA1- and BRCA2-Associated Hereditary Breast and Ovarian Cancer; Hereditary breast and ovarian cancer; Breast and ovarian cancer. Identifiers: Orphanet 145, MedGen C0677776, MeSH D061325, MONDO:0003582. Disease mechanism: loss of function.
Breast-ovarian cancer, familial, susceptibility to, 2 (BROVCA2). Also called: BRCA2 Hereditary Breast and Ovarian Cancer. Identifiers: Orphanet 145, MedGen C2675520, MONDO:0012933, OMIM 612555. Disease mechanism: loss of function.

Submissions (3):

Ambry Genetics
Classification: Likely benign for Hereditary cancer-predisposing syndrome. Last evaluated: 2024-11-17. Review status: criteria provided, single submitter. Criteria: Ambry Variant Classification Scheme 2023. Collection method: clinical testing. Allele origin: germline.

All of Us Research Program, National Institutes of Health
Classification: Likely benign for Breast-ovarian cancer, familial, susceptibility to, 2. Last evaluated: 2023-08-28. Review status: criteria provided, single submitter. Criteria: ACMG Guidelines, 2015. Collection method: clinical testing. Allele origin: germline. Inheritance: Autosomal dominant inheritance. Observed: 1 variant allele, 1 heterozygote.
Comment: This study involves interpretation of variants in research participants for the purpose of population health screening. Participant phenotype was not available at the time of variant classification. Additional details can be found in publication PMID: 35346344, PMCID: PMC8962531

Labcorp Genetics (formerly Invitae), Labcorp
Classification: Likely benign for Hereditary breast ovarian cancer syndrome. Last evaluated: 2018-08-21. Review status: criteria provided, single submitter. Criteria: Invitae Variant Classification Sherloc (09022015). Collection method: clinical testing. Allele origin: germline.